The following is an entry in ClinVar:

NM_057176.3(BSND):c.163C>T (p.Gln55Ter)

Gene: BSND (barttin CLCNK type accessory subunit beta; plus strand). Cytogenetic location: 1p32.3.
Variant type: single nucleotide variant.
Coding change: c.163C>T on transcript NM_057176.3 (MANE Select); coding-DNA position 163, C replaced by T.
Protein change: p.Gln55Ter; replaces glutamine 55 with a stop codon.
Molecular consequence: nonsense.
Genome position (GRCh38, 1-based): chr1:54,999,349, C>T. VCF-style: chr1-54999349-C-T. GRCh37 (hg19) VCF-style: chr1-55465022-C-T.
Other names: short protein forms Q55*.
Identifiers: ClinVar variation 2005597 (VCV002005597.4), dbSNP rs1486736339, ClinGen allele CA340470850.

ClinVar aggregate classification (germline): Pathogenic (1 of 4 stars; one submission).

Submission:

Labcorp Genetics (formerly Invitae), Labcorp
Classification: Pathogenic. Last evaluated: 2023-05-24. Review status: criteria provided, single submitter. Criteria: Invitae Variant Classification Sherloc (09022015). Collection method: clinical testing. Allele origin: germline.
Comment: This variant has not been reported in the literature in individuals affected with BSND-related conditions. ClinVar contains an entry for this variant (Variation ID: 2005597). For these reasons, this variant has been classified as Pathogenic. This variant is not present in population databases (gnomAD no frequency). This sequence change creates a premature translational stop signal (p.Gln55*) in the BSND gene. It is expected to result in an absent or disrupted protein product. Loss-of-function variants in BSND are known to be pathogenic (PMID: 11687798).

Literature cited by the submitters: PubMed 11687798.